The following is an entry in ClinVar:

NM_001378414.1(HDAC4):c.2414C>G (p.Pro805Arg)

Gene: HDAC4 (histone deacetylase 4; minus strand). Cytogenetic location: 2q37.3.
Variant type: single nucleotide variant.
Coding change: c.2414C>G on transcript NM_001378414.1 (MANE Select); coding-DNA position 2414, C replaced by G.
Protein change: p.Pro805Arg; replaces proline 805 with arginine.
Molecular consequence: missense variant.
Genome position (GRCh38, 1-based): chr2:239,087,589, G>C on the plus strand (C>G on the coding strand, the complement: HDAC4 is on the minus strand). VCF-style: chr2-239087589-G-C. GRCh37 (hg19) VCF-style: chr2-240009285-G-C.
Other names: c.2414C>G, p.Pro805Arg (NM_001378415.1); c.2399C>G, p.Pro800Arg (NM_001378416.1, NM_001378417.1, NM_006037.4); c.2333C>G, p.Pro778Arg (NM_001435991.1, NM_001435992.1); c.2255C>G, p.Pro752Arg (NM_001435993.1); short protein forms P805R, P752R, P778R, P800R.
Identifiers: ClinVar variation 4993360 (VCV004993360.1).

ClinVar aggregate classification (germline): Uncertain significance (1 of 4 stars; one submission).

Conditions:
HDAC4-related disorder. Also called: HDAC4-related condition.

Submission:

PreventionGenetics, part of Exact Sciences
Classification: Uncertain significance for HDAC4-related condition. Last evaluated: 2025-08-30. Review status: criteria provided, single submitter. Criteria: ACMG Guidelines, 2015. Collection method: clinical testing. Allele origin: germline.
Comment: The HDAC4 c.2399C>G variant is predicted to result in the amino acid substitution p.Pro800Arg. To our knowledge, this variant has not been reported in the literature or in a large population database (gnomAD), indicating this variant is rare. At this time, the clinical significance of this variant is uncertain due to the absence of conclusive functional and genetic evidence.